The following is an entry in ClinVar:

NM_004793.4(LONP1):c.495C>T (p.Gly165=)

Gene: LONP1 (lon peptidase 1, mitochondrial; minus strand). Cytogenetic location: 19p13.3.
Variant type: single nucleotide variant.
Coding change: c.495C>T on transcript NM_004793.4 (MANE Select); coding-DNA position 495, C replaced by T.
Protein change: p.Gly165=; no amino-acid change (glycine 165 retained).
Molecular consequence: synonymous variant. On other transcripts: 5 prime UTR variant (1), non-coding transcript variant (1).
Genome position (GRCh38, 1-based): chr19:5,714,206, G>A on the plus strand (C>T on the coding strand, the complement: LONP1 is on the minus strand). VCF-style: chr19-5714206-G-A. GRCh37 (hg19) VCF-style: chr19-5714217-G-A.
Other names: c.303C>T, p.Gly101= (NM_001276479.2); c.-94C>T (NM_001276480.1).
Identifiers: ClinVar variation 741198 (VCV000741198.35), dbSNP rs146460691, ClinGen allele CA9115116.

ClinVar aggregate classification (germline): Likely benign. Review status: criteria provided, multiple submitters, no conflicts (2 of 4 stars). 4 submissions from 4 submitters: Likely benign (4). Last evaluated 2026-01-15.

Conditions:
LONP1-related disorder. Also called: LONP1-related condition; LONP1-related disorders.

Allele frequency attached by ClinVar (database versions not stated): 1000 Genomes Project 30x 0.00016; gnomAD 0.00017; TOPMed 0.00017; 1000 Genomes Project 0.00020; ESP Exome Variant Server 0.00023; ExAC 0.00026.
gnomAD v4.1: 241 of 1,613,452 alleles (0.015%); highest among the groups gnomAD compares: Middle Eastern, 0.066%; no homozygotes.

Submissions (4):

Labcorp Genetics (formerly Invitae), Labcorp
Classification: Likely benign. Last evaluated: 2026-01-15. Review status: criteria provided, single submitter. Criteria: Invitae Variant Classification Sherloc (09022015). Collection method: clinical testing. Allele origin: germline.

PreventionGenetics, part of Exact Sciences
Classification: Likely benign for LONP1-related condition. Last evaluated: 2026-01-12. Review status: criteria provided, single submitter. Criteria: ACMG Guidelines, 2015. Collection method: clinical testing. Allele origin: germline.
Comment: This variant is classified as likely benign based on ACMG/AMP sequence variant interpretation guidelines (Richards et al. 2015 PMID: 25741868, with internal and published modifications).

Blueprint Genetics
Classification: Likely benign. Last evaluated: 2024-11-14. Review status: criteria provided, single submitter. Criteria: ACMG Guidelines, 2015. Collection method: clinical testing. Allele origin: germline.

CeGaT Center for Human Genetics Tuebingen
Classification: Likely benign. Last evaluated: 2023-11-01. Review status: criteria provided, single submitter. Criteria: CeGaT Center For Human Genetics Tuebingen Variant Classification Criteria Version 2. Collection method: clinical testing. Allele origin: germline. Affected: yes. Observed: 1 variant allele.
Comment: LONP1: BP4, BP7